The following is an entry in ClinVar:

NM_000171.4(GLRA1):c.129T>G (p.Asp43Glu)

Gene: GLRA1 (glycine receptor alpha 1; minus strand). Cytogenetic location: 5q33.1.
Variant type: single nucleotide variant.
Coding change: c.129T>G on transcript NM_000171.4 (MANE Select); coding-DNA position 129, T replaced by G.
Protein change: p.Asp43Glu; replaces aspartic acid 43 with glutamic acid.
Molecular consequence: missense variant. On other transcripts: intron variant (1).
Genome position (GRCh38, 1-based): chr5:151,892,366, A>C on the plus strand (T>G on the coding strand, the complement: GLRA1 is on the minus strand). VCF-style: chr5-151892366-A-C. GRCh37 (hg19) VCF-style: chr5-151271927-A-C.
Other names: c.129T>G, p.Asp43Glu (NM_001146040.2); c.-65-5578T>G (NM_001292000.2); short protein forms D43E.
Identifiers: ClinVar variation 2843026 (VCV002843026.3), dbSNP rs1369161151, ClinGen allele CA361847964.

ClinVar aggregate classification (germline): Uncertain significance (1 of 4 stars; one submission).

Conditions:
Hereditary hyperekplexia. Identifiers: Orphanet 3197, MedGen C4084968, MONDO:0021022.

Submission:

Labcorp Genetics (formerly Invitae), Labcorp
Classification: Uncertain significance for Hereditary hyperekplexia. Last evaluated: 2023-03-04. Review status: criteria provided, single submitter. Criteria: Invitae Variant Classification Sherloc (09022015). Collection method: clinical testing. Allele origin: germline.
Comment: In summary, the available evidence is currently insufficient to determine the role of this variant in disease. Therefore, it has been classified as a Variant of Uncertain Significance. Advanced modeling of protein sequence and biophysical properties (such as structural, functional, and spatial information, amino acid conservation, physicochemical variation, residue mobility, and thermodynamic stability) has been performed at Invitae for this missense variant, however the output from this modeling did not meet the statistical confidence thresholds required to predict the impact of this variant on GLRA1 protein function. This variant has not been reported in the literature in individuals affected with GLRA1-related conditions. This variant is not present in population databases (gnomAD no frequency). This sequence change replaces aspartic acid, which is acidic and polar, with glutamic acid, which is acidic and polar, at codon 43 of the GLRA1 protein (p.Asp43Glu).